The following is an entry in ClinVar:

ClinVar aggregate classification (germline): Likely benign (0 of 4 stars; one submission).

Conditions:
DCDC5-related condition.

gnomAD v4.1: 497 of 1,578,602 alleles (0.031%); highest among the groups gnomAD compares: African/African-American, 0.6%; 2 homozygotes.

Submission:

PreventionGenetics, part of Exact Sciences
Classification: Likely benign for DCDC5-related condition. Last evaluated: 2019-10-28. Review status: no assertion criteria provided. Collection method: clinical testing. Allele origin: germline.
Comment: This variant is classified as likely benign based on ACMG/AMP sequence variant interpretation guidelines (Richards et al. 2015 PMID: 25741868, with internal and published modifications).

NM_001387274.1(DCDC1):c.3036C>T (p.Asp1012=)

Gene: DCDC1 (doublecortin domain containing 1; minus strand). Cytogenetic location: 11p14.1.
Variant type: single nucleotide variant.
Coding change: c.3036C>T on transcript NM_001387274.1 (MANE Select); coding-DNA position 3036, C replaced by T.
Protein change: p.Asp1012=; no amino-acid change (aspartic acid 1012 retained).
Molecular consequence: synonymous variant. On other transcripts: 5 prime UTR variant (1).
Genome position (GRCh38, 1-based): chr11:30,922,600, G>A on the plus strand (C>T on the coding strand, the complement: DCDC1 is on the minus strand). VCF-style: chr11-30922600-G-A. GRCh37 (hg19) VCF-style: chr11-30944147-G-A.
Other names: c.3036C>T, p.Asp1012= (NM_001367979.1); c.-211C>T (NM_001387275.1); c.357C>T, p.Asp119= (NM_020869.4).
Identifiers: ClinVar variation 3355748 (VCV003355748.1).